The following is an entry in ClinVar:

ClinVar aggregate classification (germline): Uncertain significance. Review status: criteria provided, multiple submitters, no conflicts (2 of 4 stars). 4 submissions from 4 submitters: Uncertain significance (4). Last evaluated 2025-07-14.

Conditions:
Hereditary cancer-predisposing syndrome. Also called: Neoplastic Syndromes, Hereditary; Hereditary Cancer Syndrome; Tumor predisposition; Hereditary neoplastic syndrome. Identifiers: Orphanet 140162, MedGen C0027672, MeSH D009386, MONDO:0015356.
Familial cancer of breast. Also called: Hereditary breast cancer; BREAST CANCER, FAMILIAL; hereditary breast carcinoma. Identifiers: Orphanet 227535, MedGen C0346153, MONDO:0016419, OMIM 114480. Disease mechanism: loss of function.
Ataxia-telangiectasia syndrome (AT). Also called: LOUIS-BAR SYNDROME; Cerebello-oculocutaneous telangiectasia; Immunodeficiency with ataxia telangiectasia; Ataxia-telangiectasia, complementation group D; AT, COMPLEMENTATION GROUP C; Ataxia-telangiectasia, complementation group E. Identifiers: Orphanet 100, MedGen C0004135, MONDO:0008840, OMIM 208900.

Submissions (4):

Labcorp Genetics (formerly Invitae), Labcorp
Classification: Uncertain significance for Ataxia-telangiectasia syndrome. Last evaluated: 2025-07-14. Review status: criteria provided, single submitter. Criteria: Invitae Variant Classification Sherloc (09022015). Collection method: clinical testing. Allele origin: germline.
Comment: This sequence change replaces leucine, which is neutral and non-polar, with phenylalanine, which is neutral and non-polar, at codon 3045 of the ATM protein (p.Leu3045Phe). This variant is not present in population databases (gnomAD no frequency). This variant has not been reported in the literature in individuals affected with ATM-related conditions. ClinVar contains an entry for this variant (Variation ID: 434435). Invitae Evidence Modeling of protein sequence and biophysical properties (such as structural, functional, and spatial information, amino acid conservation, physicochemical variation, residue mobility, and thermodynamic stability) indicates that this missense variant is expected to disrupt ATM protein function with a positive predictive value of 95%. In summary, the available evidence is currently insufficient to determine the role of this variant in disease. Therefore, it has been classified as a Variant of Uncertain Significance.

Baylor Genetics
Classification: Uncertain significance for Familial cancer of breast. Last evaluated: 2024-03-06. Review status: criteria provided, single submitter. Criteria: ACMG Guidelines, 2015. Collection method: clinical testing. Allele origin: unknown.

Color Diagnostics, LLC DBA Color Health
Classification: Uncertain significance for Hereditary cancer-predisposing syndrome. Last evaluated: 2024-03-06. Review status: criteria provided, single submitter. Criteria: ACMG Guidelines, 2015. Collection method: clinical testing. Allele origin: germline.
Comment: This missense variant replaces leucine with phenylalanine at codon 3045 of the ATM protein. Computational prediction suggests that this variant may have deleterious impact on protein structure and function (internally defined REVEL score threshold >= 0.7, PMID: 27666373). To our knowledge, functional studies have not been reported for this variant. This variant has not been reported in individuals affected with hereditary cancer in the literature. This variant has not been identified in the general population by the Genome Aggregation Database (gnomAD). The available evidence is insufficient to determine the role of this variant in disease conclusively. Therefore, this variant is classified as a Variant of Uncertain Significance.

Genetic Services Laboratory, University of Chicago
Classification: Uncertain significance. Last evaluated: 2016-06-15. Review status: criteria provided, single submitter. Criteria: ACMG Guidelines, 2015. Collection method: clinical testing. Allele origin: germline. Affected: no.

NM_000051.4(ATM):c.9133C>T (p.Leu3045Phe)

Genes: ATM (ATM serine/threonine kinase; plus strand), C11orf65 (chromosome 11 open reading frame 65; minus strand). Cytogenetic location: 11q22.3.
Variant type: single nucleotide variant.
Coding change: c.9133C>T on transcript NM_000051.4 (MANE Select); coding-DNA position 9133, C replaced by T.
Protein change: p.Leu3045Phe; replaces leucine 3045 with phenylalanine.
Molecular consequence: missense variant. On other transcripts: intron variant (2).
Genome position (GRCh38, 1-based): chr11:108,365,470, C>T. VCF-style: chr11-108365470-C-T. GRCh37 (hg19) VCF-style: chr11-108236197-C-T.
Other names: c.9133C>T, p.Leu3045Phe (NM_001351834.2); c.640+20450G>A (NM_001330368.2); c.694+20450G>A (NM_001351110.2); short protein forms L3045F.
Identifiers: ClinVar variation 434435 (VCV000434435.15), dbSNP rs1555152033, ClinGen allele CA382532084.
Genomic context (GRCh38, chr11:108,365,470, plus strand): 5'-GTGCTCAGTGTTGGTGGACAAGTGAATTTGCTCATACAGCAGGCCATAGACCCCAAAAAT[C>T]TCAGCCGACTTTTCCCAGGATGGAAAGCTTGGGTGTGATCTTCAGTATATGAATTACCCT-3'
Protein context (NP_000042.3, residues 3035-3055): LIQQAIDPKN[Leu3045Phe]SRLFPGWKAW